The following is an entry in ClinVar:

ClinVar aggregate classification (germline): Uncertain significance (1 of 4 stars; one submission).

Allele frequency attached by ClinVar (database versions not stated): gnomAD exomes 0.00001.
gnomAD v4.1: 5 of 1,614,184 alleles (0.00031%); highest among the groups gnomAD compares: Non-Finnish European, 0.00042%; no homozygotes.

Submission:

Labcorp Genetics (formerly Invitae), Labcorp
Classification: Uncertain significance. Last evaluated: 2022-09-27. Review status: criteria provided, single submitter. Criteria: Invitae Variant Classification Sherloc (09022015). Collection method: clinical testing. Allele origin: germline.
Comment: This sequence change replaces glycine, which is neutral and non-polar, with glutamic acid, which is acidic and polar, at codon 3921 of the USH2A protein (p.Gly3921Glu). In summary, the available evidence is currently insufficient to determine the role of this variant in disease. Therefore, it has been classified as a Variant of Uncertain Significance. Algorithms developed to predict the effect of missense changes on protein structure and function (SIFT, PolyPhen-2, Align-GVGD) all suggest that this variant is likely to be disruptive. This variant has not been reported in the literature in individuals affected with USH2A-related conditions. This variant is not present in population databases (gnomAD no frequency).

NM_206933.4(USH2A):c.11762G>A (p.Gly3921Glu)

Gene: USH2A (usherin; minus strand). Cytogenetic location: 1q41.
Variant type: single nucleotide variant.
Coding change: c.11762G>A on transcript NM_206933.4 (MANE Select); coding-DNA position 11762, G replaced by A.
Protein change: p.Gly3921Glu; replaces glycine 3921 with glutamic acid.
Molecular consequence: missense variant.
Genome position (GRCh38, 1-based): chr1:215,728,334, C>T on the plus strand (G>A on the coding strand, the complement: USH2A is on the minus strand). VCF-style: chr1-215728334-C-T. GRCh37 (hg19) VCF-style: chr1-215901676-C-T.
Other names: short protein forms G3921E.
Identifiers: ClinVar variation 1909574 (VCV001909574.5), dbSNP rs1419544979, ClinGen allele CA344829590.